The following is an entry in ClinVar:

ClinVar aggregate classification (germline): Pathogenic (1 of 4 stars; one submission).

Conditions:
Microphthalmia, syndromic 9. Also called: ANOPHTHALMIA, CLINICAL, WITH MILD FACIAL DYSMORPHISM AND VARIABLE MALFORMATIONS OF THE LUNG, HEART, AND DIAPHRAGM; ANOPHTHALMIA/MICROPHTHALMIA AND PULMONARY HYPOPLASIA; PULMONARY AGENESIS, MICROPHTHALMIA, AND DIAPHRAGMATIC DEFECT; SPEAR SYNDROME; Matthew-Wood syndrome. Identifiers: Orphanet 2470, MedGen C1832661, MONDO:0011010, OMIM 601186.

Submission:

Baylor Genetics
Classification: Pathogenic for Microphthalmia, syndromic 9. Last evaluated: 2019-02-21. Review status: criteria provided, single submitter. Criteria: ACMG Guidelines, 2015. Collection method: clinical testing. Allele origin: unknown. Affected: yes.
Comment: This variant was determined to be pathogenic according to ACMG Guidelines, 2015 [PMID:25741868].

NM_022369.4(STRA6):c.62dup (p.Ser22fs)

Gene: STRA6 (signaling receptor and transporter of retinol STRA6; minus strand). Cytogenetic location: 15q24.1.
Variant type: Duplication.
Coding change: c.62dup on transcript NM_022369.4 (MANE Select); coding-DNA position 62, one base duplicated (G; older notation c.62dupG).
Protein change: p.Ser22fs; shifts the reading frame from serine 22.
Molecular consequence: frameshift variant.
Genome position (GRCh38, 1-based): chr15:74,202,206, C duplicated on the plus strand (G on the coding strand, the reverse complement: STRA6 is on the minus strand); the first of 2 consecutive C bases (chr15:74,202,206-74,202,207); duplicating either gives the same sequence. VCF-style (leftmost placement, unchanged base first): chr15-74202205-G-GC. GRCh37 (hg19) VCF-style: chr15-74494546-G-GC.
Other names: c.62dup, p.Ser22fs (NM_001142617.2, NM_001142618.2, NM_001142619.2 and 1 more transcripts); c.173dup, p.Ser59fs (NM_001199040.2); c.107dup, p.Ser37fs (NM_001199041.2); c.179dup, p.Ser61fs (NM_001199042.2); short protein forms S59fs, S22fs, S37fs, S61fs.
Identifiers: ClinVar variation 1030805 (VCV001030805.1), dbSNP rs2074102664, ClinGen allele CA2187577232.